The following is an entry in ClinVar:

NM_000091.5(COL4A3):c.935G>A (p.Gly312Glu)

Genes: COL4A3 (collagen type IV alpha 3 chain; plus strand), MFF-DT (MFF divergent transcript; minus strand). Cytogenetic location: 2q36.3.
Variant type: single nucleotide variant.
Coding change: c.935G>A on transcript NM_000091.5 (MANE Select); coding-DNA position 935, G replaced by A.
Protein change: p.Gly312Glu; replaces glycine 312 with glutamic acid.
Molecular consequence: missense variant.
Genome position (GRCh38, 1-based): chr2:227,256,344, G>A. VCF-style: chr2-227256344-G-A. GRCh37 (hg19) VCF-style: chr2-228121060-G-A.
Other names: short protein forms G312E.
Identifiers: ClinVar variation 3630969 (VCV003630969.3).

ClinVar aggregate classification (germline): Uncertain significance. Review status: criteria provided, multiple submitters, no conflicts (2 of 4 stars). 2 submissions from 2 submitters: Uncertain significance (2). Last evaluated 2026-07-30.

Conditions:
Autosomal dominant Alport syndrome (ATS3A). Also called: Alport syndrome dominant type; Renal failure and sensorineural hearing loss; ALPORT SYNDROME 3A, AUTOSOMAL DOMINANT. Identifiers: Orphanet 63, Orphanet 88918, MedGen C5882663, MONDO:0007086, OMIM 104200.

Submissions (2):

Genetics laboratory, Institute of Kidney Diseases & Research Centre Dr. H.L. Trivedi Institute Of Transplantation Sciences
Classification: Uncertain significance for Autosomal dominant Alport syndrome. Last evaluated: 2026-07-30. Review status: criteria provided, single submitter. Criteria: ACMG Guidelines, 2015. Collection method: clinical testing. Allele origin: germline. Inheritance: Autosomal dominant inheritance. Affected: yes. Observed: 1 variant allele, 1 heterozygote.
Comment: A heterozygous missense variant, c.935G>A (p.Gly312Glu), was identified in the COL4A3 gene. The variant results in substitution of a highly conserved glycine residue within the collagenous Gly-X-Y domain of the α3 chain of type IV collagen, a critical functional region in which glycine substitutions represent the predominant pathogenic mechanism underlying COL4A3-related disorders (PM1). The variant is absent or extremely rare in population databases (PM2), and multiple validated computational prediction tools predict a deleterious effect on protein structure and function (PP3). However, there are currently no well-established functional studies, segregation data, or sufficient published clinical evidence supporting the pathogenicity of this specific variant. Therefore, the available evidence is insufficient to establish a pathogenic or likely pathogenic role for this variant. According to the ACMG/AMP guidelines, this variant is classified as a Variant of Uncertain Significance (VUS).

Labcorp Genetics (formerly Invitae), Labcorp
Classification: Uncertain significance. Last evaluated: 2024-09-28. Review status: criteria provided, single submitter. Criteria: Invitae Variant Classification Sherloc (09022015). Collection method: clinical testing. Allele origin: germline.
Comment: This sequence change replaces glycine, which is neutral and non-polar, with glutamic acid, which is acidic and polar, at codon 312 of the COL4A3 protein (p.Gly312Glu). This variant is not present in population databases (gnomAD no frequency). This variant has not been reported in the literature in individuals affected with COL4A3-related conditions. An algorithm developed to predict the effect of missense changes on protein structure and function (PolyPhen-2) suggests that this variant is likely to be disruptive. In summary, the available evidence is currently insufficient to determine the role of this variant in disease. Therefore, it has been classified as a Variant of Uncertain Significance.